The following is an entry in ClinVar:

NM_001379286.1(ZNF423):c.2881C>T (p.Arg961Trp)

Gene: ZNF423 (zinc finger protein 423; minus strand). Cytogenetic location: 16q12.1.
Variant type: single nucleotide variant.
Coding change: c.2881C>T on transcript NM_001379286.1 (MANE Select); coding-DNA position 2881, C replaced by T.
Protein change: p.Arg961Trp; replaces arginine 961 with tryptophan.
Molecular consequence: missense variant.
Genome position (GRCh38, 1-based): chr16:49,636,295, G>A on the plus strand (C>T on the coding strand, the complement: ZNF423 is on the minus strand). VCF-style: chr16-49636295-G-A. GRCh37 (hg19) VCF-style: chr16-49670206-G-A.
Other names: c.2857C>T (NM_015069.2); c.2677C>T, p.Arg893Trp (NM_001271620.2); c.2506C>T, p.Arg836Trp (NM_001330533.2); c.2857C>T, p.Arg953Trp (NM_015069.5); short protein forms R953W, R836W, R893W, R961W.
Identifiers: ClinVar variation 1415614 (VCV001415614.6), dbSNP rs372390262, ClinGen allele CA8046413.

ClinVar aggregate classification (germline): Uncertain significance. Review status: criteria provided, multiple submitters, no conflicts (2 of 4 stars). 2 submissions from 2 submitters: Uncertain significance (2). Last evaluated 2025-10-15.

Conditions:
Nephronophthisis 14 (NPHP14). Identifiers: Orphanet 2318, MedGen C3539071, MONDO:0013916, OMIM 614844.

Allele frequency attached by ClinVar (database versions not stated): gnomAD exomes 0.00003; TOPMed 0.00002; ExAC 0.00003; gnomAD 0.00001; ESP Exome Variant Server 0.00008.
gnomAD v4.1: 62 of 1,612,516 alleles (0.0038%); highest among the groups gnomAD compares: South Asian, 0.014%; no homozygotes.

Submissions (2):

Ambry Genetics
Classification: Uncertain significance. Last evaluated: 2025-10-15. Review status: criteria provided, single submitter. Criteria: Ambry Variant Classification Scheme 2023. Collection method: clinical testing. Allele origin: germline.

Labcorp Genetics (formerly Invitae), Labcorp
Classification: Uncertain significance for Nephronophthisis 14. Last evaluated: 2022-08-21. Review status: criteria provided, single submitter. Criteria: Invitae Variant Classification Sherloc (09022015). Collection method: clinical testing. Allele origin: germline.
Comment: This sequence change replaces arginine, which is basic and polar, with tryptophan, which is neutral and slightly polar, at codon 953 of the ZNF423 protein (p.Arg953Trp). This variant is present in population databases (rs372390262, gnomAD 0.01%). This variant has not been reported in the literature in individuals affected with ZNF423-related conditions. ClinVar contains an entry for this variant (Variation ID: 1415614). Algorithms developed to predict the effect of missense changes on protein structure and function (SIFT, PolyPhen-2, Align-GVGD) all suggest that this variant is likely to be disruptive. In summary, the available evidence is currently insufficient to determine the role of this variant in disease. Therefore, it has been classified as a Variant of Uncertain Significance.